The following is an entry in ClinVar:

NM_004100.5(EYA4):c.172C>A (p.Leu58Ile)

Gene: EYA4 (EYA transcriptional coactivator and phosphatase 4; plus strand). Cytogenetic location: 6q23.2.
Variant type: single nucleotide variant.
Coding change: c.172C>A on transcript NM_004100.5 (MANE Select); coding-DNA position 172, C replaced by A.
Protein change: p.Leu58Ile; replaces leucine 58 with isoleucine.
Molecular consequence: missense variant.
Genome position (GRCh38, 1-based): chr6:133,446,718, C>A. VCF-style: chr6-133446718-C-A. GRCh37 (hg19) VCF-style: chr6-133767856-C-A.
Other names: c.172C>A, p.Leu58Ile (NM_001301012.2, NM_001301013.2, NM_001370458.1 and 3 more transcripts); short protein forms L58I.
Identifiers: ClinVar variation 579402 (VCV000579402.10), dbSNP rs1562431794, ClinGen allele CA365838090.
Genomic context (GRCh38, chr6:133,446,718, plus strand): 5'-CCTCATACTCTTGTTGGAGGTGGTGATACTCCAGGTAGCTCCAAACTGGAAAAATCTAAT[C>A]TCAGCAGCACATCAGTTACTACAAATGGGACAGGAGGTAAGTGTACTACCCTGAAGATAC-3'
Protein context (NP_004091.3, residues 48-68): PGSSKLEKSN[Leu58Ile]SSTSVTTNGT

ClinVar aggregate classification (germline): Uncertain significance (1 of 4 stars; one submission).

Conditions:
Dilated cardiomyopathy 1J (CMD1J). Also called: CARDIOMYOPATHY, DILATED, WITH SENSORINEURAL HEARING LOSS, AUTOSOMAL DOMINANT. Identifiers: Orphanet 217622, MedGen C1854368, MONDO:0011541, OMIM 605362.

Allele frequency attached by ClinVar (database versions not stated): gnomAD exomes below 0.00001; TOPMed below 0.00001.
gnomAD v4.1: 1 of 1,613,990 alleles (0.000062%); highest among the groups gnomAD compares: African/African-American, 0.0013%; no homozygotes.

Submission:

Labcorp Genetics (formerly Invitae), Labcorp
Classification: Uncertain significance for Dilated cardiomyopathy 1J. Last evaluated: 2024-04-22. Review status: criteria provided, single submitter. Criteria: Invitae Variant Classification Sherloc (09022015). Collection method: clinical testing. Allele origin: germline.
Comment: This sequence change replaces leucine, which is neutral and non-polar, with isoleucine, which is neutral and non-polar, at codon 58 of the EYA4 protein (p.Leu58Ile). This variant is not present in population databases (gnomAD no frequency). This variant has not been reported in the literature in individuals affected with EYA4-related conditions. ClinVar contains an entry for this variant (Variation ID: 579402). An algorithm developed to predict the effect of missense changes on protein structure and function (PolyPhen-2) suggests that this variant is likely to be tolerated. In summary, the available evidence is currently insufficient to determine the role of this variant in disease. Therefore, it has been classified as a Variant of Uncertain Significance.